The following is an entry in ClinVar:

NM_001903.5(CTNNA1):c.1013A>G (p.Asn338Ser)

Gene: CTNNA1 (catenin alpha 1; plus strand). Cytogenetic location: 5q31.2.
Variant type: single nucleotide variant.
Coding change: c.1013A>G on transcript NM_001903.5 (MANE Select); coding-DNA position 1013, A replaced by G.
Protein change: p.Asn338Ser; replaces asparagine 338 with serine.
Molecular consequence: missense variant.
Genome position (GRCh38, 1-based): chr5:138,827,669, A>G. VCF-style: chr5-138827669-A-G. GRCh37 (hg19) VCF-style: chr5-138163358-A-G.
Other names: c.1013A>G, p.Asn338Ser (NM_001323982.2, NM_001290307.3, NM_001323983.1 and 3 more transcripts); c.644A>G, p.Asn215Ser (NM_001290310.3); c.704A>G, p.Asn235Ser (NM_001290309.3); short protein forms N215S, N235S, N338S.
Identifiers: ClinVar variation 4635428 (VCV004635428.1).
Genomic context (GRCh38, chr5:138,827,669, plus strand): 5'-TGATGGCCGACTCGTCCTGCACGCGTGATGACCGTCGTGAGCGAATTGTGGCAGAGTGTA[A>G]TGCTGTCCGCCAGGCCCTGCAGGACCTGCTTTCGGAGTACATGGGCAATGTGAGTTTGAC-3'
Protein context (NP_001894.2, residues 328-348): DRRERIVAEC[Asn338Ser]AVRQALQDLL

ClinVar aggregate classification (germline): Uncertain significance (1 of 4 stars; one submission).

Conditions:
Hereditary cancer-predisposing syndrome. Also called: Neoplastic Syndromes, Hereditary; Tumor predisposition; Hereditary Cancer Syndrome; Hereditary neoplastic syndrome. Identifiers: Orphanet 140162, MedGen C0027672, MeSH D009386, MONDO:0015356.

gnomAD v4.1: 1 of 1,614,220 alleles (0.000062%); highest among the groups gnomAD compares: Non-Finnish European, 0.000085%; no homozygotes.

Submission:

Ambry Genetics
Classification: Uncertain significance for Hereditary cancer-predisposing syndrome. Last evaluated: 2025-10-08. Review status: criteria provided, single submitter. Criteria: Ambry Variant Classification Scheme 2023. Collection method: clinical testing. Allele origin: germline.
Comment: The p.N338S variant (also known as c.1013A>G), located in coding exon 6 of the CTNNA1 gene, results from an A to G substitution at nucleotide position 1013. The asparagine at codon 338 is replaced by serine, an amino acid with highly similar properties. This amino acid position is conserved. In addition, this alteration is predicted to be tolerated by in silico analysis. Based on the available evidence, the clinical significance of this variant remains unclear.